The following is an entry in ClinVar:

ClinVar aggregate classification (germline): Conflicting classifications of pathogenicity. Review status: criteria provided, conflicting classifications (1 of 4 stars). 7 submissions from 7 submitters: Uncertain significance (5); Benign (1). 1 of the submissions does not count toward it. Last evaluated 2025-04-16.

Conditions:
Inborn genetic diseases. Identifiers: MedGen C0950123, MeSH D030342.

Allele frequency attached by ClinVar (database versions not stated): gnomAD exomes 0.00004 and 0.00006; gnomAD 0.00012; TOPMed 0.00023; 1000 Genomes Project 0.00020; 1000 Genomes Project 30x 0.00031.
gnomAD v4.1: 100 of 1,497,004 alleles (0.0067%); highest among the groups gnomAD compares: Middle Eastern, 0.035%; no homozygotes.

Submissions (7):

Mayo Clinic Laboratories, Mayo Clinic
Classification: Uncertain significance. Last evaluated: 2025-04-16. Review status: criteria provided, single submitter. Criteria: ACMG Guidelines, 2015. Collection method: clinical testing. Allele origin: germline. Observed: 1 variant allele.
Comment: PM2_supporting

Ambry Genetics
Classification: Uncertain significance for Inborn genetic diseases. Last evaluated: 2023-12-28. Review status: criteria provided, single submitter. Criteria: Ambry Variant Classification Scheme 2023. Collection method: clinical testing. Allele origin: germline.

ARUP Laboratories, Molecular Genetics and Genomics, ARUP Laboratories
Classification: Uncertain significance. Last evaluated: 2023-08-09. Review status: criteria provided, single submitter. Criteria: ARUP Molecular Germline Variant Investigation Process 2024. Collection method: clinical testing. Allele origin: germline.

Labcorp Genetics (formerly Invitae), Labcorp
Classification: Benign. Last evaluated: 2022-11-07. Review status: criteria provided, single submitter. Criteria: Invitae Variant Classification Sherloc (09022015). Collection method: clinical testing. Allele origin: germline.

Revvity Omics, Revvity
Classification: Uncertain significance. Last evaluated: 2022-07-28. Review status: criteria provided, single submitter. Criteria: ACMG Guidelines, 2015. Collection method: clinical testing. Allele origin: germline.

Breakthrough Genomics
Classification: Uncertain significance. Review status: criteria provided, single submitter. Criteria: ACMG Guidelines, 2015. Collection method: not provided. Allele origin: germline. Inheritance: Autosomal recessive inheritance. Affected: yes.

Department of Pathology and Laboratory Medicine, Sinai Health System
Classification: Uncertain significance. Review status: no assertion criteria provided. Collection method: clinical testing. Allele origin: unknown. Affected: yes. Study: The Canadian Open Genetics Repository (COGR). Not counted in ClinVar's aggregate classification.
Comment: The PIEZO1 p.Glu2367Lys variant was not identified in the literature nor was it identified in the ClinVar, Cosmic, MutDB or LOVD 3.0 databases. The variant was identified in dbSNP (ID: rs552562531) and in control databases in 8 of 144132 chromosomes at a frequency of 0.000056 (Genome Aggregation Database Feb 27, 2017). The variant was observed in the following populations: Other in 1 of 4268 chromosomes (freq: 0.000234), Latino in 2 of 20410 chromosomes (freq: 0.000098), East Asian in 1 of 11666 chromosomes (freq: 0.000086) and European (non-Finnish) in 4 of 57534 chromosomes (freq: 0.00007); it was not observed in the African, Ashkenazi Jewish, European (Finnish), and South Asian populations. The p.Glu2367 residue is not highly conserved in mammals and computational analyses (PolyPhen-2, SIFT, AlignGVGD, BLOSUM, MutationTaster) provide inconsistent predictions regarding the impact to the protein; this information is not very predictive of pathogenicity. In summary, based on the above information the clinical significance of this variant cannot be determined with certainty at this time. This variant is classified as a variant of uncertain significance.

NM_001142864.4(PIEZO1):c.7099G>A (p.Glu2367Lys)

Gene: PIEZO1 (piezo type mechanosensitive ion channel component 1 (Er blood group); minus strand). Cytogenetic location: 16q24.3.
Variant type: single nucleotide variant.
Coding change: c.7099G>A on transcript NM_001142864.4 (MANE Select); coding-DNA position 7099, G replaced by A.
Protein change: p.Glu2367Lys; replaces glutamic acid 2367 with lysine.
Molecular consequence: missense variant.
Genome position (GRCh38, 1-based): chr16:88,716,228, C>T on the plus strand (G>A on the coding strand, the complement: PIEZO1 is on the minus strand). VCF-style: chr16-88716228-C-T. GRCh37 (hg19) VCF-style: chr16-88782636-C-T.
Other names: p.Glu2367Lys; c.7099G>A (NM_001142864.2); short protein forms E2367K.
Identifiers: ClinVar variation 1048927 (VCV001048927.10), dbSNP rs552562531, ClinGen allele CA286406350.